The following is an entry in ClinVar:

NM_000090.4(COL3A1):c.3257G>T (p.Gly1086Val)

Gene: COL3A1 (collagen type III alpha 1 chain; plus strand). Cytogenetic location: 2q32.2.
Variant type: single nucleotide variant.
Coding change: c.3257G>T on transcript NM_000090.4 (MANE Select); coding-DNA position 3257, G replaced by T.
Protein change: p.Gly1086Val; replaces glycine 1086 with valine.
Molecular consequence: missense variant.
Genome position (GRCh38, 1-based): chr2:189,007,501, G>T. VCF-style: chr2-189007501-G-T. GRCh37 (hg19) VCF-style: chr2-189872227-G-T.
Other names: short protein forms G1086V.
Identifiers: ClinVar variation 404304 (VCV000404304.1), dbSNP rs1060500203, ClinGen allele CA16610641.

ClinVar aggregate classification (germline): Pathogenic (1 of 4 stars; one submission).

Conditions:
Ehlers-Danlos syndrome, type 4 (EDSVASC). Also called: Ehlers-Danlos Syndrome Type IV; Ehlers-Danlos syndrome vascular type; Ehlers Danlos syndrome, ecchymotic type; Ehlers Danlos syndrome, arterial type; Ehlers Danlos syndrome, Sack-Barabas type. Identifiers: Orphanet 286, MedGen C0268338, MONDO:0017314, OMIM 130050.

Submission:

Labcorp Genetics (formerly Invitae), Labcorp
Classification: Pathogenic for Ehlers-Danlos syndrome, type 4. Last evaluated: 2016-08-08. Review status: criteria provided, single submitter. Criteria: Invitae Variant Classification Sherloc (09022015). Collection method: clinical testing. Allele origin: germline.
Comment: This sequence change replaces glycine with valine at codon 1086 of the COL3A1 protein (p.Gly1086Val). The glycine residue is moderately conserved and there is a moderate physicochemical difference between glycine and valine. This variant is not present in population databases (ExAC no frequency) and has not been reported in the literature in individuals with a COL3A1-related disease. Glycine residues within the triple helix region are important for fibrillar collagens structure and stability (PMID: 7695699, 19344236). In the case of COL3A1 the majority of missense substitutions within the triple helix domain affect glycine residues (PMID: 24922459, 25758994). In addition, a variant affecting the same codon of the COL3A1 protein (p.Gly1086Cys) has been reported in an individual affected with vascular Ehlers-Danlos syndrome (PMID: 21699676). In summary, this variant is a novel missense change that removes one of the glycine residues within the triple helix of the COL3A1 protein which is required for structural stability. For these reasons, it has been classified as Pathogenic.